The following is an entry in ClinVar:

ClinVar aggregate classification (germline): Uncertain significance (1 of 4 stars; one submission).

Conditions:
Developmental and epileptic encephalopathy, 67. Also called: EPILEPTIC ENCEPHALOPATHY, EARLY INFANTILE, 67. Identifiers: MedGen C4748341, MONDO:0029138, OMIM 618141.

Submission:

3billion
Classification: Uncertain significance for Developmental and epileptic encephalopathy, 67. Last evaluated: 2024-12-19. Review status: criteria provided, single submitter. Criteria: ACMG Guidelines, 2015. Collection method: clinical testing. Allele origin: germline. Affected: yes.
Comment: The variant is not observed in the gnomAD v4.1.0 dataset. Predicted Consequence/Location: Missense variant. Missense changes are a common disease-causing mechanism. Different missense changes at the same codon have been reported as of uncertain significance (ClinVar ID: VCV001805119). Therefore, this variant is classified as VUS according to the recommendation of ACMG/AMP guideline.

NM_015267.4(CUX2):c.1570G>A (p.Ala524Thr)

Gene: CUX2 (cut like homeobox 2; plus strand). Cytogenetic location: 12q24.12.
Variant type: single nucleotide variant.
Coding change: c.1570G>A on transcript NM_015267.4 (MANE Select); coding-DNA position 1570, G replaced by A.
Protein change: p.Ala524Thr; replaces alanine 524 with threonine.
Molecular consequence: missense variant.
Genome position (GRCh38, 1-based): chr12:111,310,352, G>A. VCF-style: chr12-111310352-G-A. GRCh37 (hg19) VCF-style: chr12-111748156-G-A.
Other names: c.1384G>A, p.Ala462Thr (NM_001370598.1); short protein forms A462T, A524T.
Identifiers: ClinVar variation 4292190 (VCV004292190.1).